The following is an entry in ClinVar:

NM_001267550.2(TTN):c.670-2A>G

Gene: TTN (titin; minus strand). Cytogenetic location: 2q31.2.
Variant type: single nucleotide variant.
Coding change: c.670-2A>G on transcript NM_001267550.2 (MANE Select); the canonical splice acceptor site of the intron before coding-DNA position 670, A replaced by G.
Molecular consequence: splice acceptor variant.
Genome position (GRCh38, 1-based): chr2:178,799,733, T>C on the plus strand (A>G on the coding strand, the complement: TTN is on the minus strand). VCF-style: chr2-178799733-T-C. GRCh37 (hg19) VCF-style: chr2-179664460-T-C.
Other names: c.670-2A>G (NM_003319.4, NM_133437.4, NM_133432.3 and 3 more transcripts).
Identifiers: ClinVar variation 4784130 (VCV004784130.1), dbSNP rs1574980606.

ClinVar aggregate classification (germline): Likely pathogenic (1 of 4 stars; one submission).

Conditions:
Dilated cardiomyopathy 1G (CMD1G). Identifiers: Orphanet 154, MedGen C1858763, MONDO:0011400, OMIM 604145.
Autosomal recessive limb-girdle muscular dystrophy type 2J (LGMDR10). Also called: Limb-girdle muscular dystrophy, type 2J; MUSCULAR DYSTROPHY, LIMB-GIRDLE, AUTOSOMAL RECESSIVE 10. Identifiers: Orphanet 140922, MedGen C1837342, MONDO:0012127, OMIM 608807.

Submission:

Labcorp Genetics (formerly Invitae), Labcorp
Classification: Likely pathogenic for Dilated cardiomyopathy 1G; Autosomal recessive limb-girdle muscular dystrophy type 2J. Last evaluated: 2025-02-11. Review status: criteria provided, single submitter. Criteria: Invitae Variant Classification Sherloc (09022015). Collection method: clinical testing. Allele origin: germline.
Comment: This sequence change affects an acceptor splice site in intron 5 of the TTN gene. It is expected to disrupt RNA splicing and likely results in a truncated or disrupted TTN protein. This variant is not present in population databases (gnomAD no frequency). This variant has not been reported in the literature in individuals affected with TTN-related conditions. Algorithms developed to predict the effect of sequence changes on RNA splicing suggest that this variant may disrupt the consensus splice site. This variant is located in the Z band of TTN (PMID: 25589632). Truncating variants in this region have been reported in individuals affected with autosomal recessive centronuclear myopathy (PMID: 33449170, internal data). Truncating variants in this region have also been identified in individuals affected with autosomal dominant dilated cardiomyopathy and/or cardio-related conditions (PMID: 27869827, 32964742, internal data). In summary, the currently available evidence indicates that the variant is pathogenic, but additional data are needed to prove that conclusively. Therefore, this variant has been classified as Likely Pathogenic.

Literature cited by the submitters: PubMed 25589632; PubMed 33449170; PubMed 27869827; PubMed 32964742.